The following is an entry in ClinVar:

NM_000051.4(ATM):c.1475T>G (p.Phe492Cys)

Gene: ATM (ATM serine/threonine kinase; plus strand). Cytogenetic location: 11q22.3.
Variant type: single nucleotide variant.
Coding change: c.1475T>G on transcript NM_000051.4 (MANE Select); coding-DNA position 1475, T replaced by G.
Protein change: p.Phe492Cys; replaces phenylalanine 492 with cysteine.
Molecular consequence: missense variant.
Genome position (GRCh38, 1-based): chr11:108,250,940, T>G. VCF-style: chr11-108250940-T-G. GRCh37 (hg19) VCF-style: chr11-108121667-T-G.
Other names: c.1475T>G, p.Phe492Cys (NM_001351834.2); short protein forms F492C.
Identifiers: ClinVar variation 3647631 (VCV003647631.2).

ClinVar aggregate classification (germline): Uncertain significance (1 of 4 stars; one submission).

Conditions:
Ataxia-telangiectasia syndrome (AT). Also called: ATAXIA-TELANGIECTASIA, COMPLEMENTATION GROUP A; ATAXIA-TELANGIECTASIA, FRESNO VARIANT; LOUIS-BAR SYNDROME; Ataxia-telangiectasia, complementation group D; Ataxia-telangiectasia, complementation group E; Cerebello-oculocutaneous telangiectasia. Identifiers: Orphanet 100, MedGen C0004135, MONDO:0008840, OMIM 208900.

Submission:

Labcorp Genetics (formerly Invitae), Labcorp
Classification: Uncertain significance for Ataxia-telangiectasia syndrome. Last evaluated: 2024-03-26. Review status: criteria provided, single submitter. Criteria: Invitae Variant Classification Sherloc (09022015). Collection method: clinical testing. Allele origin: germline.
Comment: This sequence change replaces phenylalanine, which is neutral and non-polar, with cysteine, which is neutral and slightly polar, at codon 492 of the ATM protein (p.Phe492Cys). This variant is not present in population databases (gnomAD no frequency). This variant has not been reported in the literature in individuals affected with ATM-related conditions. An algorithm developed to predict the effect of missense changes on protein structure and function (PolyPhen-2) suggests that this variant is likely to be tolerated. In summary, the available evidence is currently insufficient to determine the role of this variant in disease. Therefore, it has been classified as a Variant of Uncertain Significance.